The following is an entry in ClinVar:

ClinVar aggregate classification (germline): Likely benign. Review status: criteria provided, multiple submitters, no conflicts (2 of 4 stars). 3 submissions from 3 submitters: Likely benign (3). Last evaluated 2026-01-01.

Allele frequency attached by ClinVar (database versions not stated): gnomAD exomes below 0.00001; TOPMed below 0.00001; gnomAD 0.00001.
gnomAD v4.1: 5 of 1,614,060 alleles (0.00031%); highest among the groups gnomAD compares: African/African-American, 0.0013%; no homozygotes.

Submissions (3):

CeGaT Center for Human Genetics Tuebingen
Classification: Likely benign. Last evaluated: 2026-01-01. Review status: criteria provided, single submitter. Criteria: CeGaT Center For Human Genetics Tuebingen Variant Classification Criteria Version 2. Collection method: clinical testing. Allele origin: germline. Affected: yes. Observed: 1 variant allele.
Comment: OPA1: BP4, BP7

Labcorp Genetics (formerly Invitae), Labcorp
Classification: Likely benign. Last evaluated: 2024-06-15. Review status: criteria provided, single submitter. Criteria: Invitae Variant Classification Sherloc (09022015). Collection method: clinical testing. Allele origin: germline.

Blueprint Genetics
Classification: Likely benign. Last evaluated: 2024-04-23. Review status: criteria provided, single submitter. Criteria: ACMG Guidelines, 2015. Collection method: clinical testing. Allele origin: germline.

NM_130837.3(OPA1):c.150T>G (p.Leu50=)

Gene: OPA1 (OPA1 mitochondrial dynamin like GTPase; plus strand). Cytogenetic location: 3q29.
Variant type: single nucleotide variant.
Coding change: c.150T>G on transcript NM_130837.3 (MANE Select); coding-DNA position 150, T replaced by G.
Protein change: p.Leu50=; no amino-acid change (leucine 50 retained).
Molecular consequence: synonymous variant. On other transcripts: 5 prime UTR variant (2).
Genome position (GRCh38, 1-based): chr3:193,614,840, T>G. VCF-style: chr3-193614840-T-G. GRCh37 (hg19) VCF-style: chr3-193332629-T-G.
Other names: c.-223T>G (NM_001354663.2, NM_001354664.2); c.150T>G, p.Leu50= (NM_015560.3, NM_130831.3, NM_130832.3 and 4 more transcripts).
Identifiers: ClinVar variation 2990326 (VCV002990326.8), dbSNP rs1254486828, ClinGen allele CA437638025.
Genomic context (GRCh38, chr3:193,614,840, plus strand): 5'-ACAAAAACTACATCTGGTTTCACGAAGCATTTATCATTCACATCATCCTACCTTAAAGCT[T>G]CAACGACCCCAATTAAGGACATCCTTTCAGCAGTTCTCTTCTCTGACAAACCTTCCTTTA-3'
Protein context (NP_570850.2, residues 40-60): IYHSHHPTLK[Leu50=]QRPQLRTSFQ